The following is an entry in ClinVar:

ClinVar aggregate classification (germline): Uncertain significance (1 of 4 stars; one submission).

Submission:

Labcorp Genetics (formerly Invitae), Labcorp
Classification: Uncertain significance. Last evaluated: 2023-09-18. Review status: criteria provided, single submitter. Criteria: Invitae Variant Classification Sherloc (09022015). Collection method: clinical testing. Allele origin: germline.
Comment: This sequence change replaces aspartic acid, which is acidic and polar, with valine, which is neutral and non-polar, at codon 584 of the PLXNA2 protein (p.Asp584Val). In summary, the available evidence is currently insufficient to determine the role of this variant in disease. Therefore, it has been classified as a Variant of Uncertain Significance. Advanced modeling of protein sequence and biophysical properties (such as structural, functional, and spatial information, amino acid conservation, physicochemical variation, residue mobility, and thermodynamic stability) performed at Invitae indicates that this missense variant is not expected to disrupt PLXNA2 protein function. ClinVar contains an entry for this variant (Variation ID: 2007862). This variant has not been reported in the literature in individuals affected with PLXNA2-related conditions. This variant is not present in population databases (gnomAD no frequency).

NM_025179.4(PLXNA2):c.1751A>T (p.Asp584Val)

Gene: PLXNA2 (plexin A2; minus strand). Cytogenetic location: 1q32.2.
Variant type: single nucleotide variant.
Coding change: c.1751A>T on transcript NM_025179.4 (MANE Select); coding-DNA position 1751, A replaced by T.
Protein change: p.Asp584Val; replaces aspartic acid 584 with valine.
Molecular consequence: missense variant.
Genome position (GRCh38, 1-based): chr1:208,096,864, T>A on the plus strand (A>T on the coding strand, the complement: PLXNA2 is on the minus strand). VCF-style: chr1-208096864-T-A. GRCh37 (hg19) VCF-style: chr1-208270209-T-A.
Other names: short protein forms D584V.
Identifiers: ClinVar variation 2007862 (VCV002007862.4), dbSNP rs2526720635, ClinGen allele CA344556548.